The following is an entry in ClinVar:

ClinVar aggregate classification (germline): Uncertain significance (1 of 4 stars; one submission).

gnomAD v4.1: 1 of 1,613,122 alleles (0.000062%); highest among the groups gnomAD compares: African/African-American, 0.0013%; no homozygotes.

Submission:

Labcorp Genetics (formerly Invitae), Labcorp
Classification: Uncertain significance. Last evaluated: 2025-03-18. Review status: criteria provided, single submitter. Criteria: Invitae Variant Classification Sherloc (09022015). Collection method: clinical testing. Allele origin: germline.
Comment: This sequence change replaces leucine, which is neutral and non-polar, with valine, which is neutral and non-polar, at codon 761 of the HPS6 protein (p.Leu761Val). This variant is not present in population databases (gnomAD no frequency). This variant has not been reported in the literature in individuals affected with HPS6-related conditions. ClinVar contains an entry for this variant (Variation ID: 1932115). Invitae Evidence Modeling of protein sequence and biophysical properties (such as structural, functional, and spatial information, amino acid conservation, physicochemical variation, residue mobility, and thermodynamic stability) indicates that this missense variant is not expected to disrupt HPS6 protein function with a negative predictive value of 80%. In summary, the available evidence is currently insufficient to determine the role of this variant in disease. Therefore, it has been classified as a Variant of Uncertain Significance.

NM_024747.6(HPS6):c.2281C>G (p.Leu761Val)

Gene: HPS6 (HPS6 biogenesis of lysosomal organelles complex 2 subunit 3; plus strand). Cytogenetic location: 10q24.32.
Variant type: single nucleotide variant.
Coding change: c.2281C>G on transcript NM_024747.6 (MANE Select); coding-DNA position 2281, C replaced by G.
Protein change: p.Leu761Val; replaces leucine 761 with valine.
Molecular consequence: missense variant.
Genome position (GRCh38, 1-based): chr10:102,067,755, C>G. VCF-style: chr10-102067755-C-G. GRCh37 (hg19) VCF-style: chr10-103827512-C-G.
Other names: short protein forms L761V.
Identifiers: ClinVar variation 1932115 (VCV001932115.5), dbSNP rs368158267, ClinGen allele CA212202700.